The following is an entry in ClinVar:

NM_003705.5(SLC25A12):c.1039A>G (p.Ile347Val)

Gene: SLC25A12 (solute carrier family 25 member 12; minus strand). Cytogenetic location: 2q31.1.
Variant type: single nucleotide variant.
Coding change: c.1039A>G on transcript NM_003705.5 (MANE Select); coding-DNA position 1039, A replaced by G.
Protein change: p.Ile347Val; replaces isoleucine 347 with valine.
Molecular consequence: missense variant. On other transcripts: non-coding transcript variant (1).
Genome position (GRCh38, 1-based): chr2:171,813,471, T>C on the plus strand (A>G on the coding strand, the complement: SLC25A12 is on the minus strand). VCF-style: chr2-171813471-T-C. GRCh37 (hg19) VCF-style: chr2-172669981-T-C.
Other names: c.1039A>G (NM_003705.3); short protein forms I347V.
Identifiers: ClinVar variation 1010702 (VCV001010702.6), dbSNP rs927266622, ClinGen allele CA60675138.

ClinVar aggregate classification (germline): Uncertain significance. Review status: criteria provided, multiple submitters, no conflicts (2 of 4 stars). 2 submissions from 2 submitters: Uncertain significance (2). Last evaluated 2024-01-30.

Conditions:
Inborn genetic diseases. Identifiers: MedGen C0950123, MeSH D030342.

Allele frequency attached by ClinVar (database versions not stated): TOPMed below 0.00001; gnomAD exomes 0.00001 and 0.00002.
gnomAD v4.1: 12 of 1,614,042 alleles (0.00074%); highest among the groups gnomAD compares: East Asian, 0.011%; no homozygotes.

Submissions (2):

Ambry Genetics
Classification: Uncertain significance for Inborn genetic diseases. Last evaluated: 2024-01-30. Review status: criteria provided, single submitter. Criteria: Ambry Variant Classification Scheme 2023. Collection method: clinical testing. Allele origin: germline.

Labcorp Genetics (formerly Invitae), Labcorp
Classification: Uncertain significance. Last evaluated: 2022-08-21. Review status: criteria provided, single submitter. Criteria: Invitae Variant Classification Sherloc (09022015). Collection method: clinical testing. Allele origin: germline.
Comment: This sequence change replaces isoleucine, which is neutral and non-polar, with valine, which is neutral and non-polar, at codon 347 of the SLC25A12 protein (p.Ile347Val). This variant is present in population databases (no rsID available, gnomAD 0.02%). This variant has not been reported in the literature in individuals affected with SLC25A12-related conditions. ClinVar contains an entry for this variant (Variation ID: 1010702). Algorithms developed to predict the effect of missense changes on protein structure and function are either unavailable or do not agree on the potential impact of this missense change (SIFT: "Tolerated"; PolyPhen-2: "Probably Damaging"; Align-GVGD: "Class C0"). In summary, the available evidence is currently insufficient to determine the role of this variant in disease. Therefore, it has been classified as a Variant of Uncertain Significance.